The following is an entry in ClinVar:

ClinVar aggregate classification (germline): Uncertain significance (1 of 4 stars; one submission).

Submission:

Labcorp Genetics (formerly Invitae), Labcorp
Classification: Uncertain significance. Last evaluated: 2023-07-19. Review status: criteria provided, single submitter. Criteria: Invitae Variant Classification Sherloc (09022015). Collection method: clinical testing. Allele origin: germline.
Comment: In summary, the available evidence is currently insufficient to determine the role of this variant in disease. Therefore, it has been classified as a Variant of Uncertain Significance. This variant has not been reported in the literature in individuals affected with AK7-related conditions. This variant is a gross deletion of the genomic region encompassing exon(s) 6-12 of the AK7 gene. This deletion is out-of-frame, and is expected to create a premature translational stop signal and result in an absent or disrupted protein product. However, the current clinical and genetic evidence is not sufficient to establish whether loss-of-function variants in AK7 cause disease.

NC_000014.8:g.(?_96904152)_(96924569_?)del

Gene: AK7 (adenylate kinase 7; plus strand). Cytogenetic location: 14q32.2.
Variant type: Deletion.
Identifiers: ClinVar variation 2427359 (VCV002427359.3).